The following is an entry in ClinVar:

NM_002691.4(POLD1):c.1982A>T (p.Glu661Val)

Gene: POLD1 (DNA polymerase delta 1, catalytic subunit; plus strand). Cytogenetic location: 19q13.33.
Variant type: single nucleotide variant.
Coding change: c.1982A>T on transcript NM_002691.4 (MANE Select); coding-DNA position 1982, A replaced by T.
Protein change: p.Glu661Val; replaces glutamic acid 661 with valine.
Molecular consequence: missense variant. On other transcripts: non-coding transcript variant (1).
Genome position (GRCh38, 1-based): chr19:50,409,211, A>T. VCF-style: chr19-50409211-A-T. GRCh37 (hg19) VCF-style: chr19-50912468-A-T.
Other names: c.1982A>T, p.Glu661Val (NM_001256849.1); c.2060A>T, p.Glu687Val (NM_001308632.1); c.1982A>T (NM_002691.2); short protein forms E687V, E661V.
Identifiers: ClinVar variation 1397774 (VCV001397774.9), dbSNP rs2122377470, ClinGen allele CA406982371.

ClinVar aggregate classification (germline): Uncertain significance. Review status: criteria provided, multiple submitters, no conflicts (2 of 4 stars). 2 submissions from 2 submitters: Uncertain significance (2). Last evaluated 2026-05-08.

Conditions:
POLD1-related polyposis and colorectal cancer syndrome (CRCS10). Also called: Colorectal cancer, susceptibility to, 10; Colorectal cancer 10; COLORECTAL CANCER, SUSCEPTIBILITY TO, ON CHROMOSOME 19q. Identifiers: Orphanet 220460, MedGen C2675481, MONDO:0012953, OMIM 612591.
Hereditary cancer-predisposing syndrome. Also called: Tumor predisposition; Hereditary Cancer Syndrome; Hereditary neoplastic syndrome; Neoplastic Syndromes, Hereditary. Identifiers: Orphanet 140162, MedGen C0027672, MeSH D009386, MONDO:0015356.

Submissions (2):

Ambry Genetics
Classification: Uncertain significance for Hereditary cancer-predisposing syndrome. Last evaluated: 2026-05-08. Review status: criteria provided, single submitter. Criteria: Ambry Variant Classification Scheme 2023. Collection method: clinical testing. Allele origin: germline.
Comment: The p.E661V variant (also known as c.1982A>T), located in coding exon 15 of the POLD1 gene, results from an A to T substitution at nucleotide position 1982. The glutamic acid at codon 661 is replaced by valine, an amino acid with dissimilar properties. This amino acid position is highly conserved in available vertebrate species. In addition, the in silico prediction for this alteration is inconclusive. Based on the available evidence, the clinical significance of this variant remains unclear.

Labcorp Genetics (formerly Invitae), Labcorp
Classification: Uncertain significance for POLD1-related polyposis and colorectal cancer syndrome. Last evaluated: 2024-09-03. Review status: criteria provided, single submitter. Criteria: Invitae Variant Classification Sherloc (09022015). Collection method: clinical testing. Allele origin: germline.
Comment: This sequence change replaces glutamic acid, which is acidic and polar, with valine, which is neutral and non-polar, at codon 661 of the POLD1 protein (p.Glu661Val). This variant is not present in population databases (gnomAD no frequency). This variant has not been reported in the literature in individuals affected with POLD1-related conditions. ClinVar contains an entry for this variant (Variation ID: 1397774). Invitae Evidence Modeling of protein sequence and biophysical properties (such as structural, functional, and spatial information, amino acid conservation, physicochemical variation, residue mobility, and thermodynamic stability) has been performed for this missense variant. However, the output from this modeling did not meet the statistical confidence thresholds required to predict the impact of this variant on POLD1 protein function. In summary, the available evidence is currently insufficient to determine the role of this variant in disease. Therefore, it has been classified as a Variant of Uncertain Significance.